The following is an entry in ClinVar:

NM_001942.4(DSG1):c.430A>T (p.Arg144Ter)

Gene: DSG1 (desmoglein 1; plus strand). Cytogenetic location: 18q12.1.
Variant type: single nucleotide variant.
Coding change: c.430A>T on transcript NM_001942.4 (MANE Select); coding-DNA position 430, A replaced by T.
Protein change: p.Arg144Ter; replaces arginine 144 with a stop codon.
Molecular consequence: nonsense.
Genome position (GRCh38, 1-based): chr18:31,329,949, A>T. VCF-style: chr18-31329949-A-T. GRCh37 (hg19) VCF-style: chr18-28909912-A-T.
Other names: c.430A>T (NM_001942.2); short protein forms R144*.
Identifiers: ClinVar variation 88660 (VCV000088660.6), dbSNP rs397515641, ClinGen allele CA145281.

ClinVar aggregate classification (germline): Pathogenic. Review status: criteria provided, multiple submitters, no conflicts (2 of 4 stars). 4 submissions from 4 submitters: Pathogenic (3). 1 of the submissions does not count toward it. Last evaluated 2025-11-17.

Conditions:
Epidermal disease. Also called: Rare epidermal disease. Identifiers: Orphanet 79353, MedGen C5681492, MONDO:0019268.
Palmoplantar keratoderma i, striate, focal, or diffuse. Also called: STRIATE PALMOPLANTAR KERATODERMA I; PALMOPLANTAR KERATODERMA I, STRIATE OR DIFFUSE; PALMOPLANTAR KERATODERMA I, FOCAL; KERATODERMA, PALMOPLANTAR, STRIATE FORM I; Keratosis Palmoplantaris Striata I, AD; KERATOSIS PALMOPLANTARIS STRIATA I. Identifiers: Orphanet 369999, Orphanet 370002, MedGen C2931122, MONDO:0007859, OMIM 148700.

Allele frequency attached by ClinVar (database versions not stated): gnomAD exomes 0.00001.
gnomAD v4.1: 14 of 1,613,392 alleles (0.00087%); highest among the groups gnomAD compares: Non-Finnish European, 0.0012%; no homozygotes.

Submissions (4):

Labcorp Genetics (formerly Invitae), Labcorp
Classification: Pathogenic. Last evaluated: 2025-11-17. Review status: criteria provided, single submitter. Criteria: Invitae Variant Classification Sherloc (09022015). Collection method: clinical testing. Allele origin: germline.
Comment: This sequence change creates a premature translational stop signal (p.Arg144*) in the DSG1 gene. It is expected to result in an absent or disrupted protein product. Loss-of-function variants in DSG1 are known to be pathogenic (PMID: 19018793, 23974871, 27534273, 27632246, 29604126). This variant is not present in population databases (gnomAD no frequency). This premature translational stop signal has been observed in individual(s) with autosomal dominant keratosis palmoplantaris striata (PMID: 19558595). It has also been observed to segregate with disease in related individuals. ClinVar contains an entry for this variant (Variation ID: 88660). For these reasons, this variant has been classified as Pathogenic.

GeneDx
Classification: Pathogenic. Last evaluated: 2025-08-04. Review status: criteria provided, single submitter. Criteria: GeneDx Variant Classification Process June 2021. Collection method: clinical testing. Allele origin: germline. Affected: yes.
Comment: Nonsense variant predicted to result in protein truncation or nonsense mediated decay in a gene for which loss of function is a known mechanism of disease; Not observed at significant frequency in large population cohorts (gnomAD); This variant is associated with the following publications: (PMID: 25525159, 26493105, 33879512, 19558595)

Cambridge Genomics Laboratory, East Genomic Laboratory Hub, NHS Genomic Medicine Service
Classification: Pathogenic for Epidermal disease. Last evaluated: 2020-04-08. Review status: criteria provided, single submitter. Criteria: ACGS Best Practice Guidelines for Variant Classification in Rare Disease 2020. Collection method: clinical testing. Allele origin: germline. Affected: yes. Observed: 1 variant allele.

OMIM
Classification: Pathogenic for PALMOPLANTAR KERATODERMA I, STRIATE. Last evaluated: 2009-09-01. Review status: no assertion criteria provided. Collection method: literature only. Allele origin: germline. Not counted in ClinVar's aggregate classification.

Literature cited by the submitters: PubMed 19018793 (cited by Labcorp Genetics (formerly Invitae), Labcorp); PubMed 23974871 (cited by Labcorp Genetics (formerly Invitae), Labcorp); PubMed 27534273 (cited by Labcorp Genetics (formerly Invitae), Labcorp); PubMed 27632246 (cited by Labcorp Genetics (formerly Invitae), Labcorp); PubMed 29604126 (cited by Labcorp Genetics (formerly Invitae), Labcorp); PubMed 19558595 (cited by Labcorp Genetics (formerly Invitae), Labcorp); Zamiri, M., Smith, F. J. D., Campbell, L. E., Tetley, L., Eady, R. A. J., Hodgins, M. B., McLean, W. H. I., Munro, C. S. Mutation in DSG1 causing autosomal dominant striate palmoplantar keratoderma. (Letter) Brit. J. Derm. 161: 691-720, 2009. (cited by OMIM).